The following is an entry in ClinVar:

NM_015158.5(KANK1):c.2366G>T (p.Gly789Val)

Gene: KANK1 (KN motif and ankyrin repeat domains 1; plus strand). Cytogenetic location: 9p24.3.
Variant type: single nucleotide variant.
Coding change: c.2366G>T on transcript NM_015158.5 (MANE Select); coding-DNA position 2366, G replaced by T.
Protein change: p.Gly789Val; replaces glycine 789 with valine.
Molecular consequence: missense variant. On other transcripts: non-coding transcript variant (1).
Genome position (GRCh38, 1-based): chr9:713,132, G>T. VCF-style: chr9-713132-G-T. GRCh37 (hg19) VCF-style: chr9-713132-G-T.
Other names: c.2366G>T, p.Gly789Val (NM_001256876.3, NM_001256877.3, NM_001354331.2 and 2 more transcripts); c.1892G>T, p.Gly631Val (NM_001354333.2, NM_001354335.2, NM_001354336.2 and 9 more transcripts); short protein forms G631V, G789V.
Identifiers: ClinVar variation 1411461 (VCV001411461.7), dbSNP rs146130179, ClinGen allele CA4960493.
Genomic context (GRCh38, chr9:713,132, plus strand): 5'-ACTATCTGGTTGGTCTCAAAATGAGGACTATAGCTTGTGGGCCACCACAGTTGACTGTGG[G>T]GCTGACAGCCAGCAGAAGGAGCGTGGGGGTTGGGGATGACCCTGTAGGGGAATCTCTGGA-3'
Protein context (NP_055973.2, residues 779-799): IACGPPQLTV[Gly789Val]LTASRRSVGV

ClinVar aggregate classification (germline): Uncertain significance. Review status: criteria provided, multiple submitters, no conflicts (2 of 4 stars). 2 submissions from 2 submitters: Uncertain significance (2). Last evaluated 2025-08-20.

Conditions:
Cerebral palsy, spastic quadriplegic, 2 (CPSQ2). Identifiers: Orphanet 210141, MedGen C2752061, MONDO:0013033, OMIM 612900.

Allele frequency attached by ClinVar (database versions not stated): gnomAD exomes 0.00004 and 0.00007; ExAC 0.00006; 1000 Genomes Project 30x 0.00031; gnomAD 0.00032 and 0.00034; ESP Exome Variant Server 0.00038; 1000 Genomes Project 0.00040.
gnomAD v4.1: 111 of 1,599,652 alleles (0.0069%); highest among the groups gnomAD compares: African/African-American, 0.12%; no homozygotes.

Submissions (2):

Labcorp Genetics (formerly Invitae), Labcorp
Classification: Uncertain significance. Last evaluated: 2025-08-20. Review status: criteria provided, single submitter. Criteria: Invitae Variant Classification Sherloc (09022015). Collection method: clinical testing. Allele origin: germline.
Comment: This sequence change replaces glycine, which is neutral and non-polar, with valine, which is neutral and non-polar, at codon 789 of the KANK1 protein (p.Gly789Val). This variant is present in population databases (rs146130179, gnomAD 0.1%), and has an allele count higher than expected for a pathogenic variant. This variant has not been reported in the literature in individuals affected with KANK1-related conditions. ClinVar contains an entry for this variant (Variation ID: 1411461). Invitae Evidence Modeling of protein sequence and biophysical properties (such as structural, functional, and spatial information, amino acid conservation, physicochemical variation, residue mobility, and thermodynamic stability) indicates that this missense variant is not expected to disrupt KANK1 protein function with a negative predictive value of 80%. In summary, the available evidence is currently insufficient to determine the role of this variant in disease. Therefore, it has been classified as a Variant of Uncertain Significance.

Fulgent Genetics
Classification: Uncertain significance for Cerebral palsy, spastic quadriplegic, 2. Last evaluated: 2022-04-30. Review status: criteria provided, single submitter. Criteria: ACMG Guidelines, 2015. Collection method: clinical testing. Allele origin: unknown.